The following is an entry in ClinVar:

NM_000085.5(CLCNKB):c.851T>G (p.Phe284Cys)

Genes: CLCNKB (chloride voltage-gated channel Kb; plus strand), LOC106501713 (CLCNKB recombination region; plus strand). Cytogenetic location: 1p36.13.
Variant type: single nucleotide variant.
Coding change: c.851T>G on transcript NM_000085.5 (MANE Select); coding-DNA position 851, T replaced by G.
Protein change: p.Phe284Cys; replaces phenylalanine 284 with cysteine.
Molecular consequence: missense variant.
Genome position (GRCh38, 1-based): chr1:16,049,687, T>G. VCF-style: chr1-16049687-T-G. GRCh37 (hg19) VCF-style: chr1-16376182-T-G.
Other names: c.344T>G, p.Phe115Cys (NM_001165945.2); short protein forms F115C, F284C.
Identifiers: ClinVar variation 4526852 (VCV004526852.1).
Genomic context (GRCh38, chr1:16,049,687, plus strand): 5'-CCTCCCTCTACAAGACCAGTTTCCGGGTGGACGTTCCCTTCGACCTGCCTGAGATCTTCT[T>G]TTTTGTGGCGCTGGGGTGAGTGGGTGCCTTGGGCCCCTGAGAGTCCAAAAGGCATTCCCC-3'
Protein context (NP_000076.2, residues 274-294): DVPFDLPEIF[Phe284Cys]FVALGGLCGI

ClinVar aggregate classification (germline): Uncertain significance (1 of 4 stars; one submission).

Conditions:
Bartter disease type 3. Also called: Bartter syndrome type 3. Identifiers: Orphanet 112, Orphanet 93605, MedGen C1846343, MONDO:0011822, OMIM 607364.

gnomAD v4.1: 19 of 1,610,928 alleles (0.0012%); highest among the groups gnomAD compares: South Asian, 0.021%; no homozygotes.

Submission:

Rare Kidney Stone Consortium and the Mayo Clinic Hyperoxaluria Center, Mayo Clinic
Classification: Uncertain significance for Bartter disease type 3. Last evaluated: 2025-10-03. Review status: criteria provided, single submitter. Criteria: ACMG Guidelines, 2015. Collection method: research. Allele origin: germline. Observed: 1 variant allele.
Comment: ACMG:PM1, PM2, PP3

Literature cited by the submitters: PubMed 40794449.